The following is an entry in ClinVar:

ClinVar aggregate classification (germline): Benign/Likely benign. Review status: criteria provided, multiple submitters, no conflicts (2 of 4 stars). 6 submissions from 6 submitters: Benign (3); Likely benign (2). 1 of the submissions does not count toward it. Last evaluated 2026-01-09.

Conditions:
TSC2-related disorder. Also called: TSC2-related condition; TSC2-Related Disorders.
Hereditary cancer-predisposing syndrome. Also called: Tumor predisposition; Neoplastic Syndromes, Hereditary; Hereditary Cancer Syndrome; Hereditary neoplastic syndrome. Identifiers: Orphanet 140162, MedGen C0027672, MeSH D009386, MONDO:0015356.
Tuberous sclerosis syndrome (TSC). Also called: Tuberous Sclerosis Complex; Tuberous sclerosis. Identifiers: Orphanet 805, MedGen C0041341, MONDO:0001734.
Tuberous sclerosis 2 (TSC2). Identifiers: Orphanet 805, MedGen C1860707, MONDO:0013199, OMIM 613254.

Allele frequency attached by ClinVar (database versions not stated): TOPMed 0.00001.

Submissions (6):

Labcorp Genetics (formerly Invitae), Labcorp
Classification: Benign for Tuberous sclerosis 2. Last evaluated: 2026-01-09. Review status: criteria provided, single submitter. Criteria: Invitae Variant Classification Sherloc (09022015). Collection method: clinical testing. Allele origin: germline.

Myriad Genetics, Inc.
Classification: Benign for Tuberous sclerosis 2. Last evaluated: 2025-05-02. Review status: criteria provided, single submitter. Criteria: Myriad Autosomal Dominant, Autosomal Recessive and X-Linked Classification Criteria (2023). Collection method: clinical testing. Allele origin: unknown.
Comment: This variant is considered benign. This variant is a silent/synonymous amino acid change and it is not expected to impact splicing.

Color Diagnostics, LLC DBA Color Health
Classification: Likely benign for Tuberous sclerosis syndrome. Last evaluated: 2023-06-07. Review status: criteria provided, single submitter. Criteria: ACMG Guidelines, 2015. Collection method: clinical testing. Allele origin: germline.

Genome-Nilou Lab
Classification: Benign for Tuberous sclerosis 2. Last evaluated: 2021-11-07. Review status: criteria provided, single submitter. Criteria: ACMG Guidelines, 2015. Collection method: clinical testing. Allele origin: germline. Affected: no.

Ambry Genetics
Classification: Likely benign for Hereditary cancer-predisposing syndrome. Last evaluated: 2016-06-29. Review status: criteria provided, single submitter. Criteria: Ambry Variant Classification Scheme 2023. Collection method: clinical testing. Allele origin: germline.

PreventionGenetics, part of Exact Sciences
Classification: Likely benign for TSC2-related condition. Last evaluated: 2019-08-09. Review status: no assertion criteria provided. Collection method: clinical testing. Allele origin: germline. Not counted in ClinVar's aggregate classification.
Comment: This variant is classified as likely benign based on ACMG/AMP sequence variant interpretation guidelines (Richards et al. 2015 PMID: 25741868, with internal and published modifications).

NM_000548.5(TSC2):c.292C>A (p.Arg98=)

Gene: TSC2 (TSC complex subunit 2; plus strand). Cytogenetic location: 16p13.3.
Variant type: single nucleotide variant.
Coding change: c.292C>A on transcript NM_000548.5 (MANE Select); coding-DNA position 292, C replaced by A.
Protein change: p.Arg98=; no amino-acid change (arginine 98 retained).
Molecular consequence: synonymous variant. On other transcripts: intron variant (2).
Genome position (GRCh38, 1-based): chr16:2,053,408, C>A. VCF-style: chr16-2053408-C-A. GRCh37 (hg19) VCF-style: chr16-2103409-C-A.
Other names: c.292C>A, p.Arg98= (NM_001077183.3, NM_001114382.3, NM_001363528.2 and 3 more transcripts); c.145C>A, p.Arg49= (NM_001318829.2); c.325C>A, p.Arg109= (NM_001318832.2); c.226-888C>A (NM_001318827.2); c.-1-2788C>A (NM_001318831.2); c.292C>A (NM_000548.4).
Identifiers: ClinVar variation 413705 (VCV000413705.21), dbSNP rs372321790, ClinGen allele CA16614608.